The following is an entry in ClinVar:

NM_001111125.3(IQSEC2):c.1649C>T (p.Pro550Leu)

Gene: IQSEC2 (IQ motif and Sec7 domain ArfGEF 2; minus strand). Cytogenetic location: Xp11.22.
Variant type: single nucleotide variant.
Coding change: c.1649C>T on transcript NM_001111125.3 (MANE Select); coding-DNA position 1649, C replaced by T.
Protein change: p.Pro550Leu; replaces proline 550 with leucine.
Molecular consequence: missense variant.
Genome position (GRCh38, 1-based): chrX:53,250,927, G>A on the plus strand (C>T on the coding strand, the complement: IQSEC2 is on the minus strand). VCF-style: chrX-53250927-G-A. GRCh37 (hg19) VCF-style: chrX-53280109-G-A.
Other names: c.1649C>T, p.Pro550Leu (NM_001410736.1); c.1034C>T, p.Pro345Leu (NM_015075.2); short protein forms P345L, P550L.
Identifiers: ClinVar variation 3363277 (VCV003363277.1).

ClinVar aggregate classification (germline): Uncertain significance (1 of 4 stars; one submission).

Submission:

GeneDx
Classification: Uncertain significance. Last evaluated: 2023-10-19. Review status: criteria provided, single submitter. Criteria: GeneDx Variant Classification Process June 2021. Collection method: clinical testing. Allele origin: germline. Affected: yes.
Comment: Not observed at significant frequency in large population cohorts (gnomAD); In silico analysis supports that this missense variant does not alter protein structure/function; Has not been previously published as pathogenic or benign to our knowledge